The following is an entry in ClinVar:

ClinVar aggregate classification (germline): Uncertain significance (1 of 4 stars; one submission).

Submission:

Ambry Genetics
Classification: Uncertain significance. Last evaluated: 2025-10-02. Review status: criteria provided, single submitter. Criteria: Ambry Variant Classification Scheme 2023. Collection method: clinical testing. Allele origin: germline.
Comment: The p.A648V variant (also known as c.1943C>T), located in coding exon 8 of the WNK2 gene, results from a C to T substitution at nucleotide position 1943. The alanine at codon 648 is replaced by valine, an amino acid with similar properties. This amino acid position is conserved. In addition, this alteration is predicted to be tolerated by in silico analysis. Based on the available evidence, the clinical significance of this variant remains unclear.

NM_006648.4(WNK2):c.1943C>T (p.Ala648Val)

Gene: WNK2 (WNK lysine deficient protein kinase 2; plus strand). Cytogenetic location: 9q22.31.
Variant type: single nucleotide variant.
Coding change: c.1943C>T on transcript NM_006648.4 (MANE Select); coding-DNA position 1943, C replaced by T.
Protein change: p.Ala648Val; replaces alanine 648 with valine.
Molecular consequence: missense variant.
Genome position (GRCh38, 1-based): chr9:93,252,991, C>T. VCF-style: chr9-93252991-C-T. GRCh37 (hg19) VCF-style: chr9-96015273-C-T.
Other names: c.1943C>T, p.Ala648Val (NM_001282394.3); short protein forms A648V.
Identifiers: ClinVar variation 4605214 (VCV004605214.1).
Genomic context (GRCh38, chr9:93,252,991, plus strand): 5'-CGCAGAGCAGCCAGCAGAGCGTGATGCTTGGCTCCCTTGCCGACGCAGCGCCGTCCCCGG[C>T]CCAGTGTGTGTGCAGCCCCCCTGTGAGCGAGGGGCCCGTCCTGCCGCAGAGCCTGCCCTC-3'
Protein context (NP_006639.3, residues 638-658): GSLADAAPSP[Ala648Val]QCVCSPPVSE